The following is an entry in ClinVar:

ClinVar aggregate classification (germline): Likely benign. Review status: criteria provided, multiple submitters, no conflicts (2 of 4 stars). 6 submissions from 6 submitters: Likely benign (5). 1 of the submissions does not count toward it. Last evaluated 2026-08-31.

Conditions:
Familial adenomatous polyposis 1 (FAP1). Also called: FAMILIAL ADENOMATOUS POLYPOSIS 1, ATTENUATED; POLYPOSIS, ADENOMATOUS INTESTINAL. Identifiers: MedGen C2713442, MONDO:0021056, OMIM 175100. Disease mechanism: loss of function.
APC-related disorder. Also called: APC-related condition.
Hereditary cancer-predisposing syndrome. Also called: Hereditary neoplastic syndrome; Neoplastic Syndromes, Hereditary; Hereditary Cancer Syndrome; Tumor predisposition. Identifiers: Orphanet 140162, MedGen C0027672, MeSH D009386, MONDO:0015356.

Allele frequency attached by ClinVar (database versions not stated): gnomAD 0.00004 and 0.00005; TOPMed 0.00004; gnomAD exomes 0.00006.
gnomAD v4.1: 84 of 1,539,040 alleles (0.0055%); highest among the groups gnomAD compares: Non-Finnish European, 0.0072%; no homozygotes.

Submissions (6):

PreventionGenetics, part of Exact Sciences
Classification: Likely benign for APC-related condition. Last evaluated: 2026-08-31. Review status: criteria provided, single submitter. Criteria: ACMG Guidelines, 2015. Collection method: clinical testing. Allele origin: germline.
Comment: This variant is classified as likely benign based on ACMG/AMP sequence variant interpretation guidelines (Richards et al. 2015 PMID: 25741868, with internal and published modifications).

Labcorp Genetics (formerly Invitae), Labcorp
Classification: Likely benign for Familial adenomatous polyposis 1. Last evaluated: 2026-01-27. Review status: criteria provided, single submitter. Criteria: Invitae Variant Classification Sherloc (09022015). Collection method: clinical testing. Allele origin: germline.

Myriad Genetics, Inc.
Classification: Likely benign for Familial adenomatous polyposis 1. Last evaluated: 2023-02-14. Review status: criteria provided, single submitter. Criteria: Myriad Autosomal Dominant, Autosomal Recessive and X-Linked Classification Criteria (2023). Collection method: clinical testing. Allele origin: unknown.
Comment: This variant is considered likely benign. This variant is intronic and is not expected to impact mRNA splicing.

GeneDx
Classification: Likely benign. Last evaluated: 2017-11-15. Review status: criteria provided, single submitter. Criteria: GeneDx Variant Classification (06012015). Collection method: clinical testing. Allele origin: germline. Affected: yes.
Comment: This variant is considered likely benign or benign based on one or more of the following criteria: it is a conservative change, it occurs at a poorly conserved position in the protein, it is predicted to be benign by multiple in silico algorithms, and/or has population frequency not consistent with disease.

Color Diagnostics, LLC DBA Color Health
Classification: Likely benign for Hereditary cancer-predisposing syndrome. Last evaluated: 2017-02-24. Review status: criteria provided, single submitter. Criteria: ACMG Guidelines, 2015. Collection method: clinical testing. Allele origin: germline.

Counsyl
Classification: Likely benign for Familial adenomatous polyposis 1. Last evaluated: 2016-09-13. Review status: no assertion criteria provided. Collection method: clinical testing. Allele origin: unknown. Not counted in ClinVar's aggregate classification.

NM_000038.6(APC):c.532-17A>T

Gene: APC (APC regulator of Wnt signaling pathway; plus strand). Cytogenetic location: 5q22.2.
Variant type: single nucleotide variant.
Coding change: c.532-17A>T on transcript NM_000038.6 (MANE Select); 17 bases into the intron before coding-DNA position 532, A replaced by T.
Molecular consequence: intron variant.
Genome position (GRCh38, 1-based): chr5:112,780,773, A>T. VCF-style: chr5-112780773-A-T. GRCh37 (hg19) VCF-style: chr5-112116470-A-T.
Other names: c.532-17A>T (NM_001354895.2, NM_001127510.3, NM_001354896.2 and 2 more transcripts); c.562-17A>T (NM_001354897.2, NM_001354902.2, NM_001127511.3); c.457-17A>T (NM_001354898.2, NM_001354904.2); c.-504-17A>T (NM_001354906.2); c.355-17A>T (NM_001354900.2, NM_001354901.2, NM_001354905.2).
Identifiers: ClinVar variation 371961 (VCV000371961.14), dbSNP rs997606437, ClinGen allele CA16042087.
Genomic context (GRCh38, chr5:112,780,773, plus strand): 5'-TTCTTATATGCTTTTTTGCTTTTACTGATTAACGTAAATACAAGATATTGATACTTTTTT[A>T]TTATTTGTGGTTTTAGTTTTCCTTACAAACAGATATGACCAGAAGGCAATTGGAATATGA-3'